The following is an entry in ClinVar:

ClinVar aggregate classification (germline): Uncertain significance (1 of 4 stars; one submission).

gnomAD v4.1: 21 of 1,614,118 alleles (0.0013%); highest among the groups gnomAD compares: Non-Finnish European, 0.0017%; no homozygotes.

Submission:

Labcorp Genetics (formerly Invitae), Labcorp
Classification: Uncertain significance. Last evaluated: 2022-11-01. Review status: criteria provided, single submitter. Criteria: Invitae Variant Classification Sherloc (09022015). Collection method: clinical testing. Allele origin: germline.
Comment: In summary, the available evidence is currently insufficient to determine the role of this variant in disease. Therefore, it has been classified as a Variant of Uncertain Significance. Algorithms developed to predict the effect of missense changes on protein structure and function are either unavailable or do not agree on the potential impact of this missense change (SIFT: "Deleterious"; PolyPhen-2: "Possibly Damaging"; Align-GVGD: "Class C0"). This variant has not been reported in the literature in individuals affected with SH3PXD2B-related conditions. This variant is present in population databases (rs779604984, gnomAD 0.0009%). This sequence change replaces asparagine, which is neutral and polar, with tyrosine, which is neutral and polar, at codon 665 of the SH3PXD2B protein (p.Asn665Tyr).

NM_001017995.3(SH3PXD2B):c.1993A>T (p.Asn665Tyr)

Gene: SH3PXD2B (SH3 and PX domains 2B; minus strand). Cytogenetic location: 5q35.1.
Variant type: single nucleotide variant.
Coding change: c.1993A>T on transcript NM_001017995.3 (MANE Select); coding-DNA position 1993, A replaced by T.
Protein change: p.Asn665Tyr; replaces asparagine 665 with tyrosine.
Molecular consequence: missense variant. On other transcripts: intron variant (1).
Genome position (GRCh38, 1-based): chr5:172,339,112, T>A on the plus strand (A>T on the coding strand, the complement: SH3PXD2B is on the minus strand). VCF-style: chr5-172339112-T-A. GRCh37 (hg19) VCF-style: chr5-171766116-T-A.
Other names: c.1188+7024A>T (NM_001308175.2); short protein forms N665Y.
Identifiers: ClinVar variation 2097633 (VCV002097633.4), dbSNP rs779604984, ClinGen allele CA132183512.